The following is an entry in ClinVar:

ClinVar aggregate classification (germline): Uncertain significance. Review status: criteria provided, multiple submitters, no conflicts (2 of 4 stars). 2 submissions from 2 submitters: Uncertain significance (2). Last evaluated 2025-10-28.

Conditions:
Inborn genetic diseases. Identifiers: MedGen C0950123, MeSH D030342.
Exostoses, multiple, type 2 (EXT2). Also called: EXOSTOSES, MULTIPLE, TYPE II; Hereditary Multiple Osteochondromatosis, Type II. Identifiers: Orphanet 321, MedGen C1851413, MONDO:0007586, OMIM 133701.

Allele frequency attached by ClinVar (database versions not stated): TOPMed 0.00002.
gnomAD v4.1: 12 of 1,612,490 alleles (0.00074%); highest among the groups gnomAD compares: Admixed American, 0.02%; no homozygotes.

Submissions (2):

Ambry Genetics
Classification: Uncertain significance for Inborn genetic diseases. Last evaluated: 2025-10-28. Review status: criteria provided, single submitter. Criteria: Ambry Variant Classification Scheme 2023. Collection method: clinical testing. Allele origin: germline.

Labcorp Genetics (formerly Invitae), Labcorp
Classification: Uncertain significance for Exostoses, multiple, type 2. Last evaluated: 2024-06-04. Review status: criteria provided, single submitter. Criteria: Invitae Variant Classification Sherloc (09022015). Collection method: clinical testing. Allele origin: germline.
Comment: This sequence change replaces proline, which is neutral and non-polar, with arginine, which is basic and polar, at codon 247 of the EXT2 protein (p.Pro247Arg). This variant is present in population databases (rs372237191, gnomAD 0.03%). This variant has not been reported in the literature in individuals affected with EXT2-related conditions. ClinVar contains an entry for this variant (Variation ID: 1040250). Advanced modeling of protein sequence and biophysical properties (such as structural, functional, and spatial information, amino acid conservation, physicochemical variation, residue mobility, and thermodynamic stability) performed at Invitae indicates that this missense variant is not expected to disrupt EXT2 protein function with a negative predictive value of 80%. In summary, the available evidence is currently insufficient to determine the role of this variant in disease. Therefore, it has been classified as a Variant of Uncertain Significance.

NM_207122.2(EXT2):c.740C>G (p.Pro247Arg)

Gene: EXT2 (exostosin glycosyltransferase 2; plus strand). Cytogenetic location: 11p11.2.
Variant type: single nucleotide variant.
Coding change: c.740C>G on transcript NM_207122.2 (MANE Select); coding-DNA position 740, C replaced by G.
Protein change: p.Pro247Arg; replaces proline 247 with arginine.
Molecular consequence: missense variant.
Genome position (GRCh38, 1-based): chr11:44,114,298, C>G. VCF-style: chr11-44114298-C-G. GRCh37 (hg19) VCF-style: chr11-44135848-C-G.
Other names: c.839C>G, p.Pro280Arg (NM_000401.3); c.740C>G, p.Pro247Arg (NM_001178083.3); c.740C>G (NM_207122.1); short protein forms P280R, P247R.
Identifiers: ClinVar variation 1040250 (VCV001040250.8), dbSNP rs372237191, ClinGen allele CA5954982.